The following is an entry in ClinVar:

ClinVar aggregate classification (germline): Uncertain significance (1 of 4 stars; one submission).

Conditions:
Charcot-Marie-Tooth disease axonal type 2O. Also called: CHARCOT-MARIE-TOOTH NEUROPATHY, AXONAL, TYPE 2O; CHARCOT-MARIE-TOOTH DISEASE, AXONAL, AUTOSOMAL DOMINANT, TYPE 2O; Charcot-Marie-Tooth Neuropathy Type 2O; Charcot-Marie-Tooth disease, axonal, type 20. Identifiers: Orphanet 284232, MedGen C3280220, MONDO:0013644, OMIM 614228.

Allele frequency attached by ClinVar (database versions not stated): TOPMed below 0.00001; gnomAD 0.00001.
gnomAD v4.1: 1 of 1,614,062 alleles (0.000062%); highest among the groups gnomAD compares: Non-Finnish European, 0.000085%; no homozygotes.

Submission:

Labcorp Genetics (formerly Invitae), Labcorp
Classification: Uncertain significance for Charcot-Marie-Tooth disease axonal type 2O. Last evaluated: 2023-03-08. Review status: criteria provided, single submitter. Criteria: Invitae Variant Classification Sherloc (09022015). Collection method: clinical testing. Allele origin: germline.
Comment: ClinVar contains an entry for this variant (Variation ID: 2117161). This variant has not been reported in the literature in individuals affected with DYNC1H1-related conditions. This variant is not present in population databases (gnomAD no frequency). This sequence change replaces aspartic acid, which is acidic and polar, with glutamic acid, which is acidic and polar, at codon 4314 of the DYNC1H1 protein (p.Asp4314Glu). Advanced modeling of protein sequence and biophysical properties (such as structural, functional, and spatial information, amino acid conservation, physicochemical variation, residue mobility, and thermodynamic stability) performed at Invitae indicates that this missense variant is not expected to disrupt DYNC1H1 protein function. In summary, the available evidence is currently insufficient to determine the role of this variant in disease. Therefore, it has been classified as a Variant of Uncertain Significance.

NM_001376.5(DYNC1H1):c.12942C>A (p.Asp4314Glu)

Gene: DYNC1H1 (dynein cytoplasmic 1 heavy chain 1; plus strand). Cytogenetic location: 14q32.31.
Variant type: single nucleotide variant.
Coding change: c.12942C>A on transcript NM_001376.5 (MANE Select); coding-DNA position 12942, C replaced by A.
Protein change: p.Asp4314Glu; replaces aspartic acid 4314 with glutamic acid.
Molecular consequence: missense variant.
Genome position (GRCh38, 1-based): chr14:102,044,634, C>A. VCF-style: chr14-102044634-C-A. GRCh37 (hg19) VCF-style: chr14-102510971-C-A.
Other names: short protein forms D4314E.
Identifiers: ClinVar variation 2117161 (VCV002117161.4), dbSNP rs1353447923, ClinGen allele CA391044540.